The following is an entry in ClinVar:

ClinVar aggregate classification (germline): Uncertain significance (1 of 4 stars; one submission).

Conditions:
Developmental and epileptic encephalopathy, 31A. Also called: Developmental and epileptic encephalopathy, 31; Epileptic encephalopathy, early infantile, 31. Identifiers: Orphanet 2382, MedGen C4225357, MONDO:0014598, OMIM 616346.

Submission:

Labcorp Genetics (formerly Invitae), Labcorp
Classification: Uncertain significance for Developmental and epileptic encephalopathy, 31A. Last evaluated: 2023-08-04. Review status: criteria provided, single submitter. Criteria: Invitae Variant Classification Sherloc (09022015). Collection method: clinical testing. Allele origin: germline.
Comment: In summary, the available evidence is currently insufficient to determine the role of this variant in disease. Therefore, it has been classified as a Variant of Uncertain Significance. Experimental studies and prediction algorithms are not available or were not evaluated, and the functional significance of this variant is currently unknown. This variant has not been reported in the literature in individuals affected with DNM1-related conditions. This variant is not present in population databases (gnomAD no frequency). This sequence change affects the initiator methionine of the DNM1 mRNA. The next in-frame methionine is located at codon 6.

NM_004408.4(DNM1):c.2T>C (p.Met1Thr)

Genes: CIZ1 (CDKN1A interacting zinc finger protein 1; minus strand), DNM1 (dynamin 1; plus strand). Cytogenetic location: 9q34.11.
Variant type: single nucleotide variant.
Coding change: c.2T>C on transcript NM_004408.4 (MANE Select); coding-DNA position 2, T replaced by C.
Protein change: p.Met1Thr; changes the start codon (methionine 1).
Molecular consequence: missense variant, initiator codon variant. On other transcripts: intron variant (2).
Genome position (GRCh38, 1-based): chr9:128,203,472, T>C. VCF-style: chr9-128203472-T-C. GRCh37 (hg19) VCF-style: chr9-130965751-T-C.
Other names: c.2T>C, p.Met1Thr (NM_001005336.3, NM_001288737.2, NM_001288738.2 and 2 more transcripts); c.-6+714A>G (NM_001131015.2, NM_012127.3); short protein forms M1T.
Identifiers: ClinVar variation 2826088 (VCV002826088.3), dbSNP rs1588293610, ClinGen allele CA375006141.